The following is an entry in ClinVar:

NM_001083962.2(TCF4):c.208-8A>G

Genes: TCF4 (transcription factor 4; minus strand), TCF4-AS1 (TCF4 antisense RNA 1; plus strand). Cytogenetic location: 18q21.2.
Variant type: single nucleotide variant.
Coding change: c.208-8A>G on transcript NM_001083962.2 (MANE Select); 8 bases into the intron before coding-DNA position 208, A replaced by G.
Molecular consequence: intron variant.
Genome position (GRCh38, 1-based): chr18:55,461,123, T>C on the plus strand (A>G on the coding strand, the complement: TCF4 is on the minus strand). VCF-style: chr18-55461123-T-C. GRCh37 (hg19) VCF-style: chr18-53128354-T-C.
Other names: c.514-8A>G (NM_001243226.3); c.136-8A>G (NM_001369584.1, NM_001369576.1, NM_001369577.1 and 15 more transcripts); c.208-8A>G (NM_001369571.1, NM_001369567.1, NM_001243228.2 and 8 more transcripts); c.202-8A>G (NM_001243230.2); c.82-8A>G (NM_001243231.2, NM_001348211.2).
Identifiers: ClinVar variation 139402 (VCV000139402.22), dbSNP rs184943897, ClinGen allele CA232583.
Genomic context (GRCh38, chr18:55,461,123, plus strand): 5'-GACCCAAGGTCCCTGCTGGTCATGTGGTCATAGGGAGTCCCATCTCCATAGTTCTGTAAA[T>C]AAAATGACAGTGTAAGTTATTATTTTATATTAATAAACAGCACATAAACAAACATAGCTC-3'

ClinVar aggregate classification (germline): Benign/Likely benign. Review status: criteria provided, multiple submitters, no conflicts (2 of 4 stars). 6 submissions from 6 submitters: Benign (5); Likely benign (1). Last evaluated 2026-01-12.

Conditions:
Pitt-Hopkins syndrome (PTHS). Also called: ENCEPHALOPATHY, SEVERE EPILEPTIC, WITH AUTONOMIC DYSFUNCTION; MENTAL RETARDATION, SYNDROMAL, WITH INTERMITTENT HYPERVENTILATION. Identifiers: Orphanet 2896, MedGen C1970431, MONDO:0012589, OMIM 610954.

Allele frequency attached by ClinVar (database versions not stated): 1000 Genomes Project 0.00140; gnomAD 0.00015 and 0.00023; TOPMed 0.00034; gnomAD exomes 0.00018 and 0.00049; ExAC 0.00061; 1000 Genomes Project 30x 0.00125.
gnomAD v4.1: 325 of 1,605,510 alleles (0.02%); highest among the groups gnomAD compares: East Asian, 0.6%; 1 homozygote.

Submissions (6):

Labcorp Genetics (formerly Invitae), Labcorp
Classification: Benign for Pitt-Hopkins syndrome. Last evaluated: 2026-01-12. Review status: criteria provided, single submitter. Criteria: Invitae Variant Classification Sherloc (09022015). Collection method: clinical testing. Allele origin: germline.

Blueprint Genetics
Classification: Likely benign. Last evaluated: 2024-11-20. Review status: criteria provided, single submitter. Criteria: ACMG Guidelines, 2015. Collection method: clinical testing. Allele origin: germline.

Genetic Services Laboratory, University of Chicago
Classification: Benign. Last evaluated: 2020-10-12. Review status: criteria provided, single submitter. Criteria: ACMG Guidelines, 2015. Collection method: clinical testing. Allele origin: germline. Affected: no.

Illumina Laboratory Services, Illumina
Classification: Benign for Pitt-Hopkins syndrome. Last evaluated: 2018-01-13. Review status: criteria provided, single submitter. Criteria: ICSL Variant Classification Criteria 13 December 2019. Collection method: clinical testing. Allele origin: germline.
Comment: This variant was observed in the ICSL laboratory as part of a predisposition screen in an ostensibly healthy population. It had not been previously curated by ICSL or reported in the Human Gene Mutation Database (HGMD: prior to June 1st, 2018), and was therefore a candidate for classification through an automated scoring system. Utilizing variant allele frequency, disease prevalence and penetrance estimates, and inheritance mode, an automated score was calculated to assess if this variant is too frequent to cause the disease. Based on the score and internal cut-off values, a variant classified as benign is not then subjected to further curation. The score for this variant resulted in a classification of benign for this disease.

GeneDx
Classification: Benign. Last evaluated: 2016-07-15. Review status: criteria provided, single submitter. Criteria: GeneDx Variant Classification (06012015). Collection method: clinical testing. Allele origin: germline. Affected: yes.
Comment: This variant is considered likely benign or benign based on one or more of the following criteria: it is a conservative change, it occurs at a poorly conserved position in the protein, it is predicted to be benign by multiple in silico algorithms, and/or has population frequency not consistent with disease.

Eurofins Ntd Llc (ga)
Classification: Benign. Last evaluated: 2015-09-22. Review status: criteria provided, single submitter. Criteria: EGL Classification Definitions 2015. Collection method: clinical testing. Allele origin: germline. Observed: 1 variant allele, 1 heterozygote.